The following is an entry in ClinVar:

NM_032638.5(GATA2):c.550G>C (p.Asp184His)

Gene: GATA2 (GATA binding protein 2; minus strand). Cytogenetic location: 3q21.3.
Variant type: single nucleotide variant.
Coding change: c.550G>C on transcript NM_032638.5 (MANE Select); coding-DNA position 550, G replaced by C.
Protein change: p.Asp184His; replaces aspartic acid 184 with histidine.
Molecular consequence: missense variant.
Genome position (GRCh38, 1-based): chr3:128,486,048, C>G on the plus strand (G>C on the coding strand, the complement: GATA2 is on the minus strand). VCF-style: chr3-128486048-C-G. GRCh37 (hg19) VCF-style: chr3-128204891-C-G.
Other names: c.550G>C, p.Asp184His (NM_001145661.2, NM_001145662.1); short protein forms D184H.
Identifiers: ClinVar variation 2939530 (VCV002939530.3), dbSNP rs1559987298, ClinGen allele CA354406538.

ClinVar aggregate classification (germline): Uncertain significance (1 of 4 stars; one submission).

Conditions:
Deafness-lymphedema-leukemia syndrome. Also called: Lymphedema, primary, with myelodysplasia; Emberger syndrome. Identifiers: Orphanet 3226, MedGen C3279664, MONDO:0013540, OMIM 614038.
Monocytopenia with susceptibility to infections. Also called: MONOCYTOPENIA AND MYCOBACTERIAL INFECTION SYNDROME; MONOCYTOPENIA WITH SUSCEPTIBILITY TO MYCOBACTERIAL, FUNGAL, AND PAPILLOMAVIRUS INFECTIONS AND MYELODYSPLASIA; COMBINED IMMUNODEFICIENCY WITH SUSCEPTIBILITY TO MYCOBACTERIAL, VIRAL, AND FUNGAL INFECTIONS; Dendritic cell, monocyte, B lymphocyte, and natural killer lymphocyte deficiency; IMMUNODEFICIENCY 21; GATA2 DEFICIENCY. Identifiers: Orphanet 228423, MedGen C3280030, MONDO:0013607, OMIM 614172.

Allele frequency attached by ClinVar (database versions not stated): gnomAD exomes below 0.00001.
gnomAD v4.1: 1 of 1,614,072 alleles (0.000062%); highest among the groups gnomAD compares: East Asian, 0.0022%; no homozygotes.

Submission:

Labcorp Genetics (formerly Invitae), Labcorp
Classification: Uncertain significance for Monocytopenia with susceptibility to infections; Deafness-lymphedema-leukemia syndrome. Last evaluated: 2025-01-23. Review status: criteria provided, single submitter. Criteria: Invitae Variant Classification Sherloc (09022015). Collection method: clinical testing. Allele origin: germline.
Comment: This sequence change replaces aspartic acid, which is acidic and polar, with histidine, which is basic and polar, at codon 184 of the GATA2 protein (p.Asp184His). This variant is not present in population databases (gnomAD no frequency). This variant has not been reported in the literature in individuals affected with GATA2-related conditions. ClinVar contains an entry for this variant (Variation ID: 2939530). Invitae Evidence Modeling of protein sequence and biophysical properties (such as structural, functional, and spatial information, amino acid conservation, physicochemical variation, residue mobility, and thermodynamic stability) has been performed for this missense variant. However, the output from this modeling did not meet the statistical confidence thresholds required to predict the impact of this variant on GATA2 protein function. In summary, the available evidence is currently insufficient to determine the role of this variant in disease. Therefore, it has been classified as a Variant of Uncertain Significance.